The following is an entry in ClinVar:

NM_000292.3(PHKA2):c.3626A>T (p.Tyr1209Phe)

Genes: PHKA2 (phosphorylase kinase regulatory subunit alpha 2; minus strand), PHKA2-AS1 (PHKA2 antisense RNA 1; plus strand). Cytogenetic location: Xp22.13.
Variant type: single nucleotide variant.
Coding change: c.3626A>T on transcript NM_000292.3 (MANE Select); coding-DNA position 3626, A replaced by T.
Protein change: p.Tyr1209Phe; replaces tyrosine 1209 with phenylalanine.
Molecular consequence: missense variant.
Genome position (GRCh38, 1-based): chrX:18,893,567, T>A on the plus strand (A>T on the coding strand, the complement: PHKA2 is on the minus strand). VCF-style: chrX-18893567-T-A. GRCh37 (hg19) VCF-style: chrX-18911685-T-A.
Other names: p.Tyr1209Phe; short protein forms Y1209F.
Identifiers: ClinVar variation 3380735 (VCV003380735.1).
Genomic context (GRCh38, chrX:18,893,567, plus strand): 5'-TTGGGCAACAATTCCTGCAAATAAGAAGCCACTGCTCTTGTTAGGTAGGTCATCGTCCCA[T>A]AAGCCCCACTCGGAGCGCTGTCATAAAAGAAGTGGCAGATTCCTGTGGCTTGGTCTTTCT-3'
Protein context (NP_000283.1, residues 1199-1219): FFYDSAPSGA[Tyr1209Phe]GTMTYLTRAV

ClinVar aggregate classification (germline): Uncertain significance (1 of 4 stars; one submission).

Submission:

Mayo Clinic Laboratories, Mayo Clinic
Classification: Uncertain significance. Last evaluated: 2024-02-27. Review status: criteria provided, single submitter. Criteria: ACMG Guidelines, 2015. Collection method: clinical testing. Allele origin: germline. Observed: 1 variant allele.
Comment: PM2